The following is an entry in ClinVar:

NM_006073.4(TRDN):c.707A>G (p.Lys236Arg)

Gene: TRDN (triadin; minus strand). Cytogenetic location: 6q22.31.
Variant type: single nucleotide variant.
Coding change: c.707A>G on transcript NM_006073.4 (MANE Select); coding-DNA position 707, A replaced by G.
Protein change: p.Lys236Arg; replaces lysine 236 with arginine.
Molecular consequence: missense variant.
Genome position (GRCh38, 1-based): chr6:123,503,805, T>C on the plus strand (A>G on the coding strand, the complement: TRDN is on the minus strand). VCF-style: chr6-123503805-T-C. GRCh37 (hg19) VCF-style: chr6-123824950-T-C.
Other names: c.707A>G, p.Lys236Arg (NM_001251987.2, NM_001256020.2, NM_001256021.2 and 1 more transcripts); short protein forms K236R.
Identifiers: ClinVar variation 4770241 (VCV004770241.1).
Genomic context (GRCh38, chr6:123,503,805, plus strand): 5'-GCTTTCTCTTTGTCCTCCTTTTCTTTGGGTTTTGATGGTGTTTTCTGTACTTCTTTTACT[T>C]TTGCAGCTGTTTGCTTCACTTTCTCCTGTTTTCCACCTTTCACTTCCTTTTTAGTCTTTT-3'
Protein context (NP_006064.2, residues 226-246): KQEKVKQTAA[Lys236Arg]VKEVQKTPSK

ClinVar aggregate classification (germline): Uncertain significance (1 of 4 stars; one submission).

Conditions:
Catecholaminergic polymorphic ventricular tachycardia 1. Also called: VENTRICULAR TACHYCARDIA, STRESS-INDUCED POLYMORPHIC 1; RYR2-Related Catecholaminergic Polymorphic Ventricular Tachycardia; VENTRICULAR TACHYCARDIA, CATECHOLAMINERGIC POLYMORPHIC, 1, WITH OR WITHOUT ATRIAL DYSFUNCTION AND/OR DILATED CARDIOMYOPATHY. Identifiers: Orphanet 3286, MedGen C1631597, MONDO:0011484, OMIM 604772.

Submission:

Labcorp Genetics (formerly Invitae), Labcorp
Classification: Uncertain significance for Catecholaminergic polymorphic ventricular tachycardia 1. Last evaluated: 2025-09-04. Review status: criteria provided, single submitter. Criteria: Invitae Variant Classification Sherloc (09022015). Collection method: clinical testing. Allele origin: germline.
Comment: This sequence change replaces lysine, which is basic and polar, with arginine, which is basic and polar, at codon 236 of the TRDN protein (p.Lys236Arg). This variant is not present in population databases (gnomAD no frequency). This variant has not been reported in the literature in individuals affected with TRDN-related conditions. Invitae Evidence Modeling of protein sequence and biophysical properties (such as structural, functional, and spatial information, amino acid conservation, physicochemical variation, residue mobility, and thermodynamic stability) indicates that this missense variant is expected to disrupt TRDN protein function with a positive predictive value of 80%. In summary, the available evidence is currently insufficient to determine the role of this variant in disease. Therefore, it has been classified as a Variant of Uncertain Significance.